The following is an entry in ClinVar:

NM_015450.3(POT1):c.870-7A>G

Gene: POT1 (protection of telomeres 1; minus strand). Cytogenetic location: 7q31.33.
Variant type: single nucleotide variant.
Coding change: c.870-7A>G on transcript NM_015450.3 (MANE Select); 7 bases into the intron before coding-DNA position 870, A replaced by G.
Molecular consequence: intron variant.
Genome position (GRCh38, 1-based): chr7:124,851,958, T>C on the plus strand (A>G on the coding strand, the complement: POT1 is on the minus strand). VCF-style: chr7-124851958-T-C. GRCh37 (hg19) VCF-style: chr7-124492012-T-C.
Other names: c.477-7A>G (NM_001042594.2).
Identifiers: ClinVar variation 541883 (VCV000541883.9), dbSNP rs372566252, ClinGen allele CA166064088.

ClinVar aggregate classification (germline): Uncertain significance (1 of 4 stars; one submission).

Conditions:
Tumor predisposition syndrome 3 (TPDS3). Also called: Glioma susceptibility 9; LONG TELOMERE SYNDROME, POT1-RELATED; POT1 Tumor Predisposition; Melanoma, cutaneous malignant, susceptibility to, 10. Identifiers: Orphanet 618, MedGen C4014476, MONDO:0014368, OMIM 615848.

Allele frequency attached by ClinVar (database versions not stated): ESP Exome Variant Server 0.00008.
gnomAD v4.1: 1 of 1,578,554 alleles (0.000063%); highest among the groups gnomAD compares: African/African-American, 0.0013%; no homozygotes.

Submission:

Labcorp Genetics (formerly Invitae), Labcorp
Classification: Uncertain significance for Tumor predisposition syndrome 3. Last evaluated: 2024-12-12. Review status: criteria provided, single submitter. Criteria: Invitae Variant Classification Sherloc (09022015). Collection method: clinical testing. Allele origin: germline.
Comment: This sequence change falls in intron 10 of the POT1 gene. It does not directly change the encoded amino acid sequence of the POT1 protein. This variant is present in population databases (rs372566252, gnomAD 0.006%). This variant has not been reported in the literature in individuals affected with POT1-related conditions. ClinVar contains an entry for this variant (Variation ID: 541883). Algorithms developed to predict the effect of sequence changes on RNA splicing suggest that this variant may disrupt the consensus splice site. In summary, the available evidence is currently insufficient to determine the role of this variant in disease. Therefore, it has been classified as a Variant of Uncertain Significance.